The following is an entry in ClinVar:

NM_021961.6(TEAD1):c.1096A>G (p.Ile366Val)

Gene: TEAD1 (TEA domain transcription factor 1; plus strand). Cytogenetic location: 11p15.3.
Variant type: single nucleotide variant.
Coding change: c.1096A>G on transcript NM_021961.6 (MANE Select); coding-DNA position 1096, A replaced by G.
Protein change: p.Ile366Val; replaces isoleucine 366 with valine.
Molecular consequence: missense variant.
Genome position (GRCh38, 1-based): chr11:12,930,255, A>G. VCF-style: chr11-12930255-A-G. GRCh37 (hg19) VCF-style: chr11-12951802-A-G.
Other names: short protein forms I366V.
Identifiers: ClinVar variation 1982359 (VCV001982359.4), dbSNP rs781670513, ClinGen allele CA217808925.

ClinVar aggregate classification (germline): Uncertain significance (1 of 4 stars; one submission).

Allele frequency attached by ClinVar (database versions not stated): TOPMed below 0.00001; gnomAD 0.00001; gnomAD exomes 0.00001.
gnomAD v4.1: 19 of 1,614,120 alleles (0.0012%); highest among the groups gnomAD compares: Non-Finnish European, 0.0016%; no homozygotes.

Submission:

Labcorp Genetics (formerly Invitae), Labcorp
Classification: Uncertain significance. Last evaluated: 2022-06-12. Review status: criteria provided, single submitter. Criteria: Invitae Variant Classification Sherloc (09022015). Collection method: clinical testing. Allele origin: germline.
Comment: In summary, the available evidence is currently insufficient to determine the role of this variant in disease. Therefore, it has been classified as a Variant of Uncertain Significance. Algorithms developed to predict the effect of missense changes on protein structure and function are either unavailable or do not agree on the potential impact of this missense change (SIFT: "Deleterious"; PolyPhen-2: "Possibly Damaging"; Align-GVGD: "Class C0"). This variant has not been reported in the literature in individuals affected with TEAD1-related conditions. This variant is not present in population databases (gnomAD no frequency). This sequence change replaces isoleucine, which is neutral and non-polar, with valine, which is neutral and non-polar, at codon 366 of the TEAD1 protein (p.Ile366Val).